The following is an entry in ClinVar:

ClinVar aggregate classification (germline): Uncertain significance (1 of 4 stars; one submission).

Conditions:
Autosomal dominant polycystic kidney disease. Identifiers: Orphanet 730, MedGen C0085413, MONDO:0004691.

Submission:

Labcorp Genetics (formerly Invitae), Labcorp
Classification: Uncertain significance for Autosomal dominant polycystic kidney disease. Last evaluated: 2024-08-15. Review status: criteria provided, single submitter. Criteria: Invitae Variant Classification Sherloc (09022015). Collection method: clinical testing. Allele origin: germline.
Comment: This sequence change replaces phenylalanine, which is neutral and non-polar, with serine, which is neutral and polar, at codon 480 of the PKD2 protein (p.Phe480Ser). This variant is not present in population databases (gnomAD no frequency). This variant has not been reported in the literature in individuals affected with PKD2-related conditions. Invitae Evidence Modeling of protein sequence and biophysical properties (such as structural, functional, and spatial information, amino acid conservation, physicochemical variation, residue mobility, and thermodynamic stability) indicates that this missense variant is expected to disrupt PKD2 protein function with a positive predictive value of 80%. In summary, the available evidence is currently insufficient to determine the role of this variant in disease. Therefore, it has been classified as a Variant of Uncertain Significance.

NM_000297.4(PKD2):c.1439T>C (p.Phe480Ser)

Gene: PKD2 (polycystin 2, transient receptor potential cation channel; plus strand). Cytogenetic location: 4q22.1.
Variant type: single nucleotide variant.
Coding change: c.1439T>C on transcript NM_000297.4 (MANE Select); coding-DNA position 1439, T replaced by C.
Protein change: p.Phe480Ser; replaces phenylalanine 480 with serine.
Molecular consequence: missense variant. On other transcripts: non-coding transcript variant (1).
Genome position (GRCh38, 1-based): chr4:88,046,761, T>C. VCF-style: chr4-88046761-T-C. GRCh37 (hg19) VCF-style: chr4-88967913-T-C.
Other names: short protein forms F480S.
Identifiers: ClinVar variation 3662558 (VCV003662558.2).